The following is an entry in ClinVar:

ClinVar aggregate classification (germline): Likely benign. Review status: criteria provided, multiple submitters, no conflicts (2 of 4 stars). 3 submissions from 3 submitters: Likely benign (3). Last evaluated 2026-04-27.

Conditions:
Hereditary cancer-predisposing syndrome. Also called: Neoplastic Syndromes, Hereditary; Hereditary neoplastic syndrome; Hereditary Cancer Syndrome; Tumor predisposition. Identifiers: Orphanet 140162, MedGen C0027672, MeSH D009386, MONDO:0015356.
Hereditary breast ovarian cancer syndrome. Also called: Hereditary breast and ovarian cancer syndrome; Breast and ovarian cancer; Hereditary breast and ovarian cancer syndrome (HBOC); Hereditary breast and/or ovarian cancer syndrome; BRCA1- and BRCA2-Associated Hereditary Breast and Ovarian Cancer; Hereditary breast and ovarian cancer. Identifiers: Orphanet 145, MedGen C0677776, MeSH D061325, MONDO:0003582. Disease mechanism: loss of function.

Submissions (4):

Ambry Genetics
Classification: Likely benign for Hereditary cancer-predisposing syndrome. Last evaluated: 2026-04-27. Review status: criteria provided, single submitter. Criteria: Ambry Variant Classification Scheme 2023. Collection method: clinical testing. Allele origin: germline.

Labcorp Genetics (formerly Invitae), Labcorp
Classification: Likely benign for Hereditary breast ovarian cancer syndrome. Last evaluated: 2023-07-19. Review status: criteria provided, single submitter. Criteria: Invitae Variant Classification Sherloc (09022015). Collection method: clinical testing. Allele origin: germline.

GeneDx
Classification: Likely benign. Last evaluated: 2016-10-19. Review status: criteria provided, single submitter. Criteria: GeneDx Variant Classification (06012015). Collection method: clinical testing. Allele origin: germline. Affected: yes.
Comment: This variant is considered likely benign or benign based on one or more of the following criteria: it is a conservative change, it occurs at a poorly conserved position in the protein, it is predicted to be benign by multiple in silico algorithms, and/or has population frequency not consistent with disease.

Brotman Baty Institute, University of Washington
No classification provided (evidence only). Condition: Breast-ovarian cancer, familial 1. Review status: no classification provided. Collection method: in vitro. Allele origin: not applicable. Functional consequence: functionally_normal. Not counted in ClinVar's aggregate classification.
ClinVar note: "not provided" was previously submitted as the classification for the variant. However, the classification appeared to be based only on an observation of functional data so it was converted to no classification on 2025-07-30.

NM_007294.4(BRCA1):c.5451G>A (p.Glu1817=)

Gene: BRCA1 (BRCA1 DNA repair associated; minus strand). Cytogenetic location: 17q21.31.
Variant type: single nucleotide variant.
Coding change: c.5451G>A on transcript NM_007294.4 (MANE Select); coding-DNA position 5451, G replaced by A.
Protein change: p.Glu1817=; no amino-acid change (glutamic acid 1817 retained).
Molecular consequence: synonymous variant. On other transcripts: missense variant (17).
Genome position (GRCh38, 1-based): chr17:43,047,659, C>T on the plus strand (G>A on the coding strand, the complement: BRCA1 is on the minus strand). VCF-style: chr17-43047659-C-T. GRCh37 (hg19) VCF-style: chr17-41199676-C-T.
Other names: c.2142G>A, p.Glu714= (NM_001407975.1, NM_001407976.1, NM_001407977.1 and 3 more transcripts); c.2139G>A, p.Glu713= (NM_001407979.1, NM_001407980.1, NM_001407981.1 and 11 more transcripts); c.2136G>A, p.Glu712= (NM_001408392.1, NM_001408396.1, NM_001408397.1 and 7 more transcripts); c.2133G>A, p.Glu711= (NM_001408406.1, NM_001408407.1, NM_001408408.1); c.2130G>A, p.Glu710= (NM_001408409.1); c.2067G>A, p.Glu689= (NM_001408410.1); c.2064G>A, p.Glu688= (NM_001408411.1); c.2061G>A, p.Glu687= (NM_001408412.1, NM_001408413.1, NM_001408414.1 and 2 more transcripts); and 83 more; short protein forms G689R, G1750R, G1751R, G1791R, G688R, G1752R, G1793R, G1745R.
Identifiers: ClinVar variation 390274 (VCV000390274.13), dbSNP rs1057523707, ClinGen allele CA10590493.